The following is an entry in ClinVar:

ClinVar aggregate classification (germline): Uncertain significance (0 of 4 stars; one submission).

Conditions:
NCOA1-related disorder. Also called: NCOA1-related condition.

gnomAD v4.1: 2 of 1,613,836 alleles (0.00012%); highest among the groups gnomAD compares: Non-Finnish European, 0.00017%; no homozygotes.

Submission:

PreventionGenetics, part of Exact Sciences
Classification: Uncertain significance for NCOA1-related condition. Last evaluated: 2023-11-02. Review status: no assertion criteria provided. Collection method: clinical testing. Allele origin: germline.
Comment: The NCOA1 c.4211G>C variant is predicted to result in the amino acid substitution p.Gly1404Ala. To our knowledge, this variant has not been reported in the literature or in a large population database, indicating this variant is rare. At this time, the clinical significance of this variant is uncertain due to the absence of conclusive functional and genetic evidence.

NM_003743.5(NCOA1):c.4211G>C (p.Gly1404Ala)

Gene: NCOA1 (nuclear receptor coactivator 1; plus strand). Cytogenetic location: 2p23.3.
Variant type: single nucleotide variant.
Coding change: c.4211G>C on transcript NM_003743.5 (MANE Select); coding-DNA position 4211, G replaced by C.
Protein change: p.Gly1404Ala; replaces glycine 1404 with alanine.
Molecular consequence: missense variant. On other transcripts: 3 prime UTR variant (5).
Genome position (GRCh38, 1-based): chr2:24,768,276, G>C. VCF-style: chr2-24768276-G-C. GRCh37 (hg19) VCF-style: chr2-24991145-G-C.
Other names: c.*68G>C (NM_001362950.1, NM_001362952.1, NM_001362955.1 and 1 more transcripts); c.*65G>C (NM_001362954.1); c.4208G>C, p.Gly1403Ala (NM_147233.2); short protein forms G1403A, G1404A.
Identifiers: ClinVar variation 3356478 (VCV003356478.1).
Genomic context (GRCh38, chr2:24,768,276, plus strand): 5'-TCCAGCAGGTGCAACAGGTTCAGGTGTTTGCTGACGTCCAGTGTACAGTGAATCTGGTAG[G>C]CGGGGACCCTTACCTGAACCAGCCTGGTCCACTGGGAACTCAAAAGCCCACGTCAGGACC-3'
Protein context (NP_003734.3, residues 1394-1414): ADVQCTVNLV[Gly1404Ala]GDPYLNQPGP